The following is an entry in ClinVar:

ClinVar aggregate classification (germline): Uncertain significance. Review status: criteria provided, multiple submitters, no conflicts (2 of 4 stars). 2 submissions from 2 submitters: Uncertain significance (2). Last evaluated 2022-03-11.

Allele frequency attached by ClinVar (database versions not stated): gnomAD exomes 0.00001; ExAC 0.00002.
gnomAD v4.1: 15 of 1,614,086 alleles (0.00093%); highest among the groups gnomAD compares: Admixed American, 0.0033%; no homozygotes.

Submissions (2):

Blueprint Genetics
Classification: Uncertain significance. Last evaluated: 2022-03-11. Review status: criteria provided, single submitter. Criteria: ACMG Guidelines, 2015. Collection method: clinical testing. Allele origin: germline.

Labcorp Genetics (formerly Invitae), Labcorp
Classification: Uncertain significance. Last evaluated: 2022-01-12. Review status: criteria provided, single submitter. Criteria: Invitae Variant Classification Sherloc (09022015). Collection method: clinical testing. Allele origin: germline.
Comment: This sequence change replaces valine, which is neutral and non-polar, with isoleucine, which is neutral and non-polar, at codon 4274 of the USH2A protein (p.Val4274Ile). This variant is present in population databases (rs758369437, gnomAD 0.003%). This variant has not been reported in the literature in individuals affected with USH2A-related conditions. Algorithms developed to predict the effect of missense changes on protein structure and function (SIFT, PolyPhen-2, Align-GVGD) all suggest that this variant is likely to be tolerated. In summary, the available evidence is currently insufficient to determine the role of this variant in disease. Therefore, it has been classified as a Variant of Uncertain Significance.

NM_206933.4(USH2A):c.12820G>A (p.Val4274Ile)

Gene: USH2A (usherin; minus strand). Cytogenetic location: 1q41.
Variant type: single nucleotide variant.
Coding change: c.12820G>A on transcript NM_206933.4 (MANE Select); coding-DNA position 12820, G replaced by A.
Protein change: p.Val4274Ile; replaces valine 4274 with isoleucine.
Molecular consequence: missense variant.
Genome position (GRCh38, 1-based): chr1:215,675,091, C>T on the plus strand (G>A on the coding strand, the complement: USH2A is on the minus strand). VCF-style: chr1-215675091-C-T. GRCh37 (hg19) VCF-style: chr1-215848433-C-T.
Other names: short protein forms V4274I.
Identifiers: ClinVar variation 1413301 (VCV001413301.6), dbSNP rs758369437, ClinGen allele CA1393402.